The following is an entry in ClinVar:

ClinVar aggregate classification (germline): Uncertain significance (1 of 4 stars; one submission).

Allele frequency attached by ClinVar (database versions not stated): gnomAD exomes below 0.00001.
gnomAD v4.1: 1 of 1,614,084 alleles (0.000062%); highest among the groups gnomAD compares: Non-Finnish European, 0.000085%; no homozygotes.

Submission:

Ambry Genetics
Classification: Uncertain significance. Last evaluated: 2022-05-30. Review status: criteria provided, single submitter. Criteria: Ambry Variant Classification Scheme 2023. Collection method: clinical testing. Allele origin: germline.
Comment: The p.I1239T variant (also known as c.3716T>C), located in coding exon 4 of the ALPK2 gene, results from a T to C substitution at nucleotide position 3716. The isoleucine at codon 1239 is replaced by threonine, an amino acid with similar properties. This amino acid position is conserved. In addition, this alteration is predicted to be tolerated by in silico analysis. Since supporting evidence is limited at this time, the clinical significance of this alteration remains unclear.

NM_052947.4(ALPK2):c.3716T>C (p.Ile1239Thr)

Genes: ALPK2 (alpha kinase 2; minus strand), LOC126862764 (BRD4-independent group 4 enhancer GRCh37_chr18:56202574-56203773; plus strand). Cytogenetic location: 18q21.31.
Variant type: single nucleotide variant.
Coding change: c.3716T>C on transcript NM_052947.4 (MANE Select); coding-DNA position 3716, T replaced by C.
Protein change: p.Ile1239Thr; replaces isoleucine 1239 with threonine.
Molecular consequence: missense variant.
Genome position (GRCh38, 1-based): chr18:58,536,471, A>G on the plus strand (T>C on the coding strand, the complement: ALPK2 is on the minus strand). VCF-style: chr18-58536471-A-G. GRCh37 (hg19) VCF-style: chr18-56203703-A-G.
Other names: short protein forms I1239T.
Identifiers: ClinVar variation 1734242 (VCV001734242.2), dbSNP rs2518876086, ClinGen allele CA402565926.